The following is an entry in ClinVar:

ClinVar aggregate classification (germline): Pathogenic (1 of 4 stars; one submission).

Conditions:
Cerebral cavernous malformation (CCM). Also called: CAVERNOUS ANGIOMA, FAMILIAL; CAVERNOUS ANGIOMATOUS MALFORMATIONS; CEREBRAL CAPILLARY MALFORMATIONS; Cerebral cavernous malformations; Cavernous Hemangioma of Brain; Cerebral cavernous hemangioma (type). Identifiers: Orphanet 221061, MedGen C2919945, MONDO:0000820, OMIM 116860, HP:0033522.

Submission:

Labcorp Genetics (formerly Invitae), Labcorp
Classification: Pathogenic for Cerebral cavernous malformation. Last evaluated: 2017-04-25. Review status: criteria provided, single submitter. Criteria: Invitae Variant Classification Sherloc (09022015). Collection method: clinical testing. Allele origin: germline.
Comment: This variant is a gross deletion of the genomic region encompassing exons 5-18 of the KRIT1 gene, which includes the initiator codon. The 5' end of this event is unknown as it extends beyond the assayed region for this gene and therefore may encompass additional genes. The 3' boundary is likely confined to intron 18 of the KRIT1 gene. This is expected to result in an absent or disrupted protein product. While this particular gross deletion has not been reported in the literature, loss-of-function variants in KRIT1 are known to be pathogenic (PMID: 12404106, 23595507). A similar gross deletion has been reported in an individual affected with cerebral cavernous malformations (PMID: 23595507). In that study, this gene is referred to as CCM1, and the event is described as a deletion of exons 1-17 relative to the alternative transcript, NM_004912.3. Because the 5' end of this event extends beyond the assayed region for this gene, it is unclear if the number of deleted untranslated exons are the same, nor whether there are additional intergenic sequence deleted. However, the deleted coding regions are the same between this previously published variant and the event observed in this individual. For these reasons, this variant has been classified as Pathogenic.

NC_000007.14:g.(?_92213175)_(92242155_?)del

Gene: KRIT1 (KRIT1 ankyrin repeat containing; minus strand). Cytogenetic location: 7q21.2.
Variant type: Deletion.
Identifiers: ClinVar variation 468200 (VCV000468200.1).